The following is an entry in ClinVar:

NM_000535.7(PMS2):c.429T>G (p.Ile143Met)

Gene: PMS2 (PMS1 homolog 2, mismatch repair system component; minus strand). Cytogenetic location: 7p22.1.
Variant type: single nucleotide variant.
Coding change: c.429T>G on transcript NM_000535.7 (MANE Select); coding-DNA position 429, T replaced by G.
Protein change: p.Ile143Met; replaces isoleucine 143 with methionine.
Molecular consequence: missense variant. On other transcripts: 5 prime UTR variant (2), non-coding transcript variant (1).
Genome position (GRCh38, 1-based): chr7:6,002,561, A>C on the plus strand (T>G on the coding strand, the complement: PMS2 is on the minus strand). VCF-style: chr7-6002561-A-C. GRCh37 (hg19) VCF-style: chr7-6042192-A-C.
Other names: c.111T>G, p.Ile37Met (NM_001322008.2, NM_001406876.1, NM_001406883.1 and 4 more transcripts); c.24T>G, p.Ile8Met (NM_001322009.2, NM_001322010.2, NM_001322013.2 and 25 more transcripts); c.-456T>G (NM_001322011.2, NM_001322012.2); c.429T>G, p.Ile143Met (NM_001322014.2, NM_001406869.1, NM_001406870.1 and 8 more transcripts); c.120T>G, p.Ile40Met (NM_001322015.2, NM_001406875.1, NM_001406877.1 and 6 more transcripts); c.615T>G, p.Ile205Met (NM_001406866.1); c.453T>G, p.Ile151Met (NM_001406868.1); short protein forms I143M, I151M, I205M, I37M, I40M, I8M.
Identifiers: ClinVar variation 2092873 (VCV002092873.4), dbSNP rs35650314, ClinGen allele CA366744366.
Genomic context (GRCh38, chr7:6,002,561, plus strand): 5'-AAATAACTGCTGCACGCTGACTGTGGTCCCTCTGGGGCGGGGGTAGGGGGTTTTCTGGAT[A>C]ATTTTCCCATTGTGATCAAACATCAGTCGAGTTCCAACCTTCGCCGATGCGTGGCAGGTA-3'
Protein context (NP_000526.2, residues 133-153): TRLMFDHNGK[Ile143Met]IQKTPYPRPR

ClinVar aggregate classification (germline): Uncertain significance (1 of 4 stars; one submission).

Conditions:
Hereditary nonpolyposis colorectal neoplasms. Identifiers: MedGen C0009405, MeSH D003123.

Allele frequency attached by ClinVar (database versions not stated): gnomAD 0.00001.
gnomAD v4.1: 1 of 1,611,710 alleles (0.000062%); highest among the groups gnomAD compares: African/African-American, 0.0013%; no homozygotes.

Submission:

Labcorp Genetics (formerly Invitae), Labcorp
Classification: Uncertain significance for Hereditary nonpolyposis colorectal neoplasms. Last evaluated: 2023-12-03. Review status: criteria provided, single submitter. Criteria: Invitae Variant Classification Sherloc (09022015). Collection method: clinical testing. Allele origin: germline.
Comment: This sequence change replaces isoleucine, which is neutral and non-polar, with methionine, which is neutral and non-polar, at codon 143 of the PMS2 protein (p.Ile143Met). This variant is present in population databases (no rsID available, gnomAD 0.01%). This variant has not been reported in the literature in individuals affected with PMS2-related conditions. ClinVar contains an entry for this variant (Variation ID: 2092873). Advanced modeling of protein sequence and biophysical properties (such as structural, functional, and spatial information, amino acid conservation, physicochemical variation, residue mobility, and thermodynamic stability) performed at Invitae indicates that this missense variant is expected to disrupt PMS2 protein function with a positive predictive value of 80%. In summary, the available evidence is currently insufficient to determine the role of this variant in disease. Therefore, it has been classified as a Variant of Uncertain Significance.